The following is an entry in ClinVar:

ClinVar aggregate classification (germline): Likely benign (0 of 4 stars; one submission).

Conditions:
GPR75-related disorder. Also called: GPR75-related condition.

Allele frequency attached by ClinVar (database versions not stated): gnomAD 0.00010; ESP Exome Variant Server 0.00015; 1000 Genomes Project 30x 0.00016; gnomAD exomes 0.00018; TOPMed 0.00018; 1000 Genomes Project 0.00020; ExAC 0.00023.
gnomAD v4.1: 279 of 1,614,222 alleles (0.017%); highest among the groups gnomAD compares: Middle Eastern, 0.21%; no homozygotes.

Submission:

PreventionGenetics, part of Exact Sciences
Classification: Likely benign for GPR75-related condition. Last evaluated: 2019-06-07. Review status: no assertion criteria provided. Collection method: clinical testing. Allele origin: germline.
Comment: This variant is classified as likely benign based on ACMG/AMP sequence variant interpretation guidelines (Richards et al. 2015 PMID: 25741868, with internal and published modifications).

NM_006794.4(GPR75):c.690G>A (p.Arg230=)

Genes: GPR75 (G protein-coupled receptor 75; minus strand), GPR75-ASB3 (GPR75-ASB3 readthrough; minus strand). Cytogenetic location: 2p16.2.
Variant type: single nucleotide variant.
Coding change: c.690G>A on transcript NM_006794.4 (MANE Select); coding-DNA position 690, G replaced by A.
Protein change: p.Arg230=; no amino-acid change (arginine 230 retained).
Molecular consequence: synonymous variant. On other transcripts: intron variant (1).
Genome position (GRCh38, 1-based): chr2:53,854,067, C>T on the plus strand (G>A on the coding strand, the complement: GPR75 is on the minus strand). VCF-style: chr2-53854067-C-T. GRCh37 (hg19) VCF-style: chr2-54081204-C-T.
Other names: c.101+5761G>A (NM_001164165.2).
Identifiers: ClinVar variation 3044206 (VCV003044206.2), dbSNP rs139723753, ClinGen allele CA1657077.